The following is an entry in ClinVar:

NM_000321.3(RB1):c.983A>G (p.Asn328Ser)

Gene: RB1 (RB transcriptional corepressor 1; plus strand). Cytogenetic location: 13q14.2.
Variant type: single nucleotide variant.
Coding change: c.983A>G on transcript NM_000321.3 (MANE Select); coding-DNA position 983, A replaced by G.
Protein change: p.Asn328Ser; replaces asparagine 328 with serine.
Molecular consequence: missense variant.
Genome position (GRCh38, 1-based): chr13:48,367,537, A>G. VCF-style: chr13-48367537-A-G. GRCh37 (hg19) VCF-style: chr13-48941673-A-G.
Other names: c.983A>G, p.Asn328Ser (NM_001407165.1, NM_001407166.1); short protein forms N328S.
Identifiers: ClinVar variation 4770413 (VCV004770413.2).

ClinVar aggregate classification (germline): Uncertain significance. Review status: criteria provided, multiple submitters, no conflicts (2 of 4 stars). 2 submissions from 2 submitters: Uncertain significance (2). Last evaluated 2026-07-20.

Conditions:
Retinoblastoma (RB1). Also called: RETINOBLASTOMA, SOMATIC. Identifiers: Orphanet 790, MedGen C0035335, MeSH D012175, MONDO:0008380, OMIM 180200, HP:0009919. Disease mechanism: loss of function. Inheritance: Both sporadic and heritable forms are tested..
Hereditary cancer-predisposing syndrome. Also called: Hereditary Cancer Syndrome; Hereditary neoplastic syndrome; Neoplastic Syndromes, Hereditary; Tumor predisposition. Identifiers: Orphanet 140162, MedGen C0027672, MeSH D009386, MONDO:0015356.

gnomAD v4.1: 1 of 1,604,906 alleles (0.000062%); highest among the groups gnomAD compares: African/African-American, 0.0013%; no homozygotes.

Submissions (2):

Ambry Genetics
Classification: Uncertain significance for Hereditary cancer-predisposing syndrome. Last evaluated: 2026-07-20. Review status: criteria provided, single submitter. Criteria: Ambry Variant Classification Scheme 2023. Collection method: clinical testing. Allele origin: germline.
Comment: The p.N328S variant (also known as c.983A>G), located in coding exon 10 of the RB1 gene, results from an A to G substitution at nucleotide position 983. The asparagine at codon 328 is replaced by serine, an amino acid with highly similar properties. This amino acid position is conserved. In addition, this alteration is predicted to be tolerated by in silico analysis. Based on the available evidence, the clinical significance of this variant remains unclear.

Labcorp Genetics (formerly Invitae), Labcorp
Classification: Uncertain significance for Retinoblastoma. Last evaluated: 2025-12-22. Review status: criteria provided, single submitter. Criteria: Invitae Variant Classification Sherloc (09022015). Collection method: clinical testing. Allele origin: germline.
Comment: This sequence change replaces asparagine, which is neutral and polar, with serine, which is neutral and polar, at codon 328 of the RB1 protein (p.Asn328Ser). This variant is not present in population databases (gnomAD no frequency). This variant has not been reported in the literature in individuals affected with RB1-related conditions. Invitae Evidence Modeling of protein sequence and biophysical properties (such as structural, functional, and spatial information, amino acid conservation, physicochemical variation, residue mobility, and thermodynamic stability) indicates that this missense variant is not expected to disrupt RB1 protein function with a negative predictive value of 80%. In summary, the available evidence is currently insufficient to determine the role of this variant in disease. Therefore, it has been classified as a Variant of Uncertain Significance.